The following is an entry in ClinVar:

NM_014055.4(IFT81):c.1967A>C (p.Gln656Pro)

Gene: IFT81 (intraflagellar transport 81; plus strand). Cytogenetic location: 12q24.11.
Variant type: single nucleotide variant.
Coding change: c.1967A>C on transcript NM_014055.4 (MANE Select); coding-DNA position 1967, A replaced by C.
Protein change: p.Gln656Pro; replaces glutamine 656 with proline.
Molecular consequence: missense variant. On other transcripts: non-coding transcript variant (4).
Genome position (GRCh38, 1-based): chr12:110,218,162, A>C. VCF-style: chr12-110218162-A-C. GRCh37 (hg19) VCF-style: chr12-110655967-A-C.
Other names: c.1967A>C, p.Gln656Pro (NM_001143779.2); c.1037A>C, p.Gln346Pro (NM_001347947.2, NM_001347948.2); c.1967A>C (NM_014055.3); short protein forms Q346P, Q656P.
Identifiers: ClinVar variation 1489076 (VCV001489076.8), dbSNP rs767006523, ClinGen allele CA6783543.

ClinVar aggregate classification (germline): Uncertain significance. Review status: criteria provided, multiple submitters, no conflicts (2 of 4 stars). 2 submissions from 2 submitters: Uncertain significance (2). Last evaluated 2025-01-07.

Conditions:
Inborn genetic diseases. Identifiers: MedGen C0950123, MeSH D030342.

Allele frequency attached by ClinVar (database versions not stated): gnomAD exomes below 0.00001 and 0.00001; ExAC 0.00001; gnomAD 0.00001; TOPMed 0.00001.
gnomAD v4.1: 7 of 1,586,902 alleles (0.00044%); highest among the groups gnomAD compares: Admixed American, 0.0019%; no homozygotes.

Submissions (2):

Ambry Genetics
Classification: Uncertain significance for Inborn genetic diseases. Last evaluated: 2025-01-07. Review status: criteria provided, single submitter. Criteria: Ambry Variant Classification Scheme 2023. Collection method: clinical testing. Allele origin: germline.

Labcorp Genetics (formerly Invitae), Labcorp
Classification: Uncertain significance. Last evaluated: 2022-08-06. Review status: criteria provided, single submitter. Criteria: Invitae Variant Classification Sherloc (09022015). Collection method: clinical testing. Allele origin: germline.
Comment: This sequence change replaces glutamine, which is neutral and polar, with proline, which is neutral and non-polar, at codon 656 of the IFT81 protein (p.Gln656Pro). This variant is present in population databases (rs767006523, gnomAD 0.002%). This variant has not been reported in the literature in individuals affected with IFT81-related conditions. ClinVar contains an entry for this variant (Variation ID: 1489076). Algorithms developed to predict the effect of missense changes on protein structure and function (SIFT, PolyPhen-2, Align-GVGD) all suggest that this variant is likely to be tolerated. In summary, the available evidence is currently insufficient to determine the role of this variant in disease. Therefore, it has been classified as a Variant of Uncertain Significance.